The following is an entry in ClinVar:

ClinVar aggregate classification (germline): Likely pathogenic (1 of 4 stars; one submission).

Conditions:
Dilated cardiomyopathy 1G (CMD1G). Identifiers: Orphanet 154, MedGen C1858763, MONDO:0011400, OMIM 604145.
Autosomal recessive limb-girdle muscular dystrophy type 2J (LGMDR10). Also called: Limb-girdle muscular dystrophy, type 2J; MUSCULAR DYSTROPHY, LIMB-GIRDLE, AUTOSOMAL RECESSIVE 10. Identifiers: Orphanet 140922, MedGen C1837342, MONDO:0012127, OMIM 608807.

Submission:

Labcorp Genetics (formerly Invitae), Labcorp
Classification: Likely pathogenic for Dilated cardiomyopathy 1G; Autosomal recessive limb-girdle muscular dystrophy type 2J. Last evaluated: 2021-10-15. Review status: criteria provided, single submitter. Criteria: Invitae Variant Classification Sherloc (09022015). Collection method: clinical testing. Allele origin: germline.
Comment: This variant is located in the A band of TTN (PMID: 25589632). Truncating variants in this region are significantly overrepresented in patients affected with dilated cardiomyopathy (PMID: 25589632). Truncating variants in this region have also been reported in individuals affected with autosomal recessive centronuclear myopathy (PMID: 23975875). This variant has not been reported in the literature in individuals affected with TTN-related conditions. This variant is not present in population databases (ExAC no frequency). This sequence change creates a premature translational stop signal (p.Ala28329Cysfs*6) in the TTN gene. While this is not anticipated to result in nonsense mediated decay, it is expected to create a truncated TTN protein. In summary, the currently available evidence indicates that the variant is pathogenic, but additional data are needed to prove that conclusively. Therefore, this variant has been classified as Likely Pathogenic.

Literature cited by the submitters: PubMed 25589632; PubMed 23975875.

NM_001267550.2(TTN):c.84984dup (p.Ala28329fs)

Genes: TTN-AS1 (TTN antisense RNA 1; plus strand), TTN (titin; minus strand). Cytogenetic location: 2q31.2.
Variant type: Duplication.
Coding change: c.84984dup on transcript NM_001267550.2 (MANE Select); coding-DNA position 84984, one base duplicated (T; older notation c.84984dupT).
Protein change: p.Ala28329fs; shifts the reading frame from alanine 28329.
Molecular consequence: frameshift variant.
Genome position (GRCh38, 1-based): chr2:178,561,148, A duplicated on the plus strand (T on the coding strand, the reverse complement: TTN is on the minus strand); the first of 5 consecutive A bases (chr2:178,561,148-178,561,152); duplicating any one gives the same sequence. VCF-style (leftmost placement, unchanged base first): chr2-178561147-C-CA. GRCh37 (hg19) VCF-style: chr2-179425874-C-CA.
Other names: c.80061dup, p.Ala26688fs (NM_001256850.1); c.57789dup, p.Ala19264fs (NM_003319.4); c.77280dup, p.Ala25761fs (NM_133378.4); c.58164dup, p.Ala19389fs (NM_133432.3); c.58365dup, p.Ala19456fs (NM_133437.4); short protein forms A19456fs, A28329fs, A19389fs, A26688fs, A19264fs, A25761fs.
Identifiers: ClinVar variation 1493479 (VCV001493479.6), dbSNP rs2154159353, ClinGen allele CA2573134122.
Genomic context (GRCh38, chr2:178,561,147, plus strand): 5'-TAACTATAATAGGCCCAGTGGATTCAGATGGCTCACTAACTGAGTCAGCAGCATTCCTTG[C>CA]AAAAACCCGGAATTCATAACGCTGATCTTCAGTAAGTTCAGTTACTTCAAAGTATGTTTC-3'